The following is an entry in ClinVar:

ClinVar aggregate classification (germline): Likely pathogenic (1 of 4 stars; one submission).

Conditions:
Hereditary spastic paraplegia 4. Also called: Spastic Paraplegia 4; Familial spastic paraplegia autosomal dominant 2; Spastic paraplegia 4, autosomal dominant. Identifiers: Orphanet 100985, MedGen C1866855, MONDO:0008438, OMIM 182601.

Submission:

3billion
Classification: Likely pathogenic for Hereditary spastic paraplegia 4. Last evaluated: 2025-11-10. Review status: criteria provided, single submitter. Criteria: ACMG Guidelines, 2015. Collection method: clinical testing. Allele origin: germline. Affected: yes.
Comment: The variant is not observed in the gnomAD v4.1.0 dataset. Predicted Consequence/Location: Missense variant In silico tool predictions suggest damaging effect of the variant on gene or gene product [REVEL: 0.85 (>=0.6, sensitivity 0.68 and specificity 0.92); 3Cnet: 1.00 (> 0.75, sensitivity 0.96 and precision 0.92)]. The same nucleotide change resulting in the same amino acid change has been previously reported to be associated with SPAST-related disorder (PMID: 30476002).Different missense changes at the same codon (p.Glu420Asp, p.Glu420Gln, p.Glu420Gly) have been reported as pathogenic/likely pathogenic with strong evidence (ClinVar ID: VCV000576595, VCV001348218, VCV001686225 /PMID: 35020098). Therefore, this variant is classified as Likely pathogenic according to the recommendation of ACMG/AMP guideline.

Literature cited by the submitters: PubMed 35020098; PubMed 30476002.

NM_014946.4(SPAST):c.1259A>C (p.Glu420Ala)

Gene: SPAST (spastin; plus strand). Cytogenetic location: 2p22.3.
Variant type: single nucleotide variant.
Coding change: c.1259A>C on transcript NM_014946.4 (MANE Select); coding-DNA position 1259, A replaced by C.
Protein change: p.Glu420Ala; replaces glutamic acid 420 with alanine.
Molecular consequence: missense variant.
Genome position (GRCh38, 1-based): chr2:32,136,576, A>C. VCF-style: chr2-32136576-A-C. GRCh37 (hg19) VCF-style: chr2-32361645-A-C.
Other names: c.1256A>C, p.Glu419Ala (NM_001363823.2); c.1160A>C, p.Glu387Ala (NM_001363875.2); c.1163A>C, p.Glu388Ala (NM_001377959.1, NM_199436.2); short protein forms E387A, E388A, E419A, E420A.
Identifiers: ClinVar variation 4854368 (VCV004854368.1).